The following is an entry in ClinVar:

ClinVar aggregate classification (germline): Likely pathogenic (1 of 4 stars; one submission).

Submission:

GeneDx
Classification: Likely pathogenic. Last evaluated: 2025-09-09. Review status: criteria provided, single submitter. Criteria: GeneDx Variant Classification Process June 2021. Collection method: clinical testing. Allele origin: germline.
Comment: Not observed at significant frequency in large population cohorts (gnomAD); In silico analysis supports that this missense variant has a deleterious effect on protein structure/function; Has not been previously published as pathogenic or benign to our knowledge; This variant is associated with the following publications: (PMID: 23810378, 39835783)

NM_181523.3(PIK3R1):c.1466A>G (p.Glu489Gly)

Gene: PIK3R1 (phosphoinositide-3-kinase regulatory subunit 1; plus strand). Cytogenetic location: 5q13.1.
Variant type: single nucleotide variant.
Coding change: c.1466A>G on transcript NM_181523.3 (MANE Select); coding-DNA position 1466, A replaced by G.
Protein change: p.Glu489Gly; replaces glutamic acid 489 with glycine.
Molecular consequence: missense variant.
Genome position (GRCh38, 1-based): chr5:68,294,576, A>G. VCF-style: chr5-68294576-A-G. GRCh37 (hg19) VCF-style: chr5-67590404-A-G.
Other names: c.566A>G, p.Glu189Gly (NM_181524.2); c.377A>G, p.Glu126Gly (NM_001242466.2); c.656A>G, p.Glu219Gly (NM_181504.4); short protein forms E126G, E189G, E219G, E489G.
Identifiers: ClinVar variation 3773983 (VCV003773983.2).
Genomic context (GRCh38, chr5:68,294,576, plus strand): 5'-TTTTTAAAATTATGTTGCAGGAAATCCAAATGAAAAGGACAGCTATTGAAGCATTTAATG[A>G]AACCATAAAAATATTTGAAGAACAGTGCCAGACCCAAGAGCGGTACAGCAAAGAATACAT-3'
Protein context (NP_852664.1, residues 479-499): MKRTAIEAFN[Glu489Gly]TIKIFEEQCQ